The following is an entry in ClinVar:

NM_001206927.2(DNAH8):c.2620G>A (p.Val874Met)

Gene: DNAH8 (dynein axonemal heavy chain 8; plus strand). Cytogenetic location: 6p21.2.
Variant type: single nucleotide variant.
Coding change: c.2620G>A on transcript NM_001206927.2 (MANE Select); coding-DNA position 2620, G replaced by A.
Protein change: p.Val874Met; replaces valine 874 with methionine.
Molecular consequence: missense variant.
Genome position (GRCh38, 1-based): chr6:38,789,839, G>A. VCF-style: chr6-38789839-G-A. GRCh37 (hg19) VCF-style: chr6-38757615-G-A.
Other names: p.Val874Met; c.1969G>A, p.Val657Met (NM_001371.4); short protein forms V874M, V657M.
Identifiers: ClinVar variation 414389 (VCV000414389.12), dbSNP rs45529837, ClinGen allele CA3788565.

ClinVar aggregate classification (germline): Benign. Review status: criteria provided, multiple submitters, no conflicts (2 of 4 stars). 2 submissions from 2 submitters: Benign (2). Last evaluated 2026-02-02.

Conditions:
Primary ciliary dyskinesia. Also called: Ciliary dyskinesia. Identifiers: Orphanet 244, MedGen C0008780, MONDO:0016575, HP:0012265.

Allele frequency attached by ClinVar (database versions not stated): 1000 Genomes Project 0.02097; 1000 Genomes Project 30x 0.02264; gnomAD exomes 0.02487 and 0.02922; ExAC 0.02501; gnomAD 0.02534 and 0.02635; ESP Exome Variant Server 0.02837; TOPMed 0.02843.
gnomAD v4.1: 46,634 of 1,612,376 alleles (2.9%); highest among the groups gnomAD compares: Middle Eastern, 6.6%; 791 homozygotes.

Submissions (2):

Labcorp Genetics (formerly Invitae), Labcorp
Classification: Benign for Primary ciliary dyskinesia. Last evaluated: 2026-02-02. Review status: criteria provided, single submitter. Criteria: Invitae Variant Classification Sherloc (09022015). Collection method: clinical testing. Allele origin: germline.

Mayo Clinic Laboratories, Mayo Clinic
Classification: Benign. Last evaluated: 2023-05-12. Review status: criteria provided, single submitter. Criteria: ACMG Guidelines, 2015. Collection method: clinical testing. Allele origin: germline. Observed: 15 variant alleles.
Comment: BS1, BS2, BP4